The following is an entry in ClinVar:

ClinVar aggregate classification (germline): Uncertain significance. Review status: criteria provided, single submitter (1 of 4 stars). 2 submissions from 2 submitters: Uncertain significance (1). 1 of the submissions does not count toward it. Last evaluated 2021-09-01.

Conditions:
Usher syndrome type 1 (USH1). Also called: RETINITIS PIGMENTOSA AND CONGENITAL DEAFNESS. Identifiers: Orphanet 231169, Orphanet 886, MedGen C1568247, MONDO:0010168, OMIM 276900.

Allele frequency attached by ClinVar (database versions not stated): gnomAD exomes below 0.00001 and 0.00001; gnomAD 0.00001; ExAC 0.00002; TOPMed below 0.00001.
gnomAD v4.1: 7 of 1,613,666 alleles (0.00043%); highest among the groups gnomAD compares: East Asian, 0.0022%; no homozygotes.

Submissions (2):

Labcorp Genetics (formerly Invitae), Labcorp
Classification: Uncertain significance. Last evaluated: 2021-09-01. Review status: criteria provided, single submitter. Criteria: Invitae Variant Classification Sherloc (09022015). Collection method: clinical testing. Allele origin: germline.
Comment: This sequence change replaces valine with alanine at codon 2076 of the CDH23 protein (p.Val2076Ala). The valine residue is highly conserved and there is a small physicochemical difference between valine and alanine. This variant is present in population databases (rs773607597, ExAC 0.003%). This variant has not been reported in the literature in individuals affected with CDH23-related conditions. Algorithms developed to predict the effect of missense changes on protein structure and function are either unavailable or do not agree on the potential impact of this missense change (SIFT: "Tolerated"; PolyPhen-2: "Not Available"; Align-GVGD: "Class C0"). In summary, the available evidence is currently insufficient to determine the role of this variant in disease. Therefore, it has been classified as a Variant of Uncertain Significance.

Natera, Inc.
Classification: Uncertain significance for Usher syndrome type 1. Last evaluated: 2020-05-20. Review status: no assertion criteria provided. Collection method: clinical testing. Allele origin: germline. Not counted in ClinVar's aggregate classification.

NM_022124.6(CDH23):c.6227T>C (p.Val2076Ala)

Gene: CDH23 (cadherin related 23; plus strand). Cytogenetic location: 10q22.1.
Variant type: single nucleotide variant.
Coding change: c.6227T>C on transcript NM_022124.6 (MANE Select); coding-DNA position 6227, T replaced by C.
Protein change: p.Val2076Ala; replaces valine 2076 with alanine.
Molecular consequence: missense variant.
Genome position (GRCh38, 1-based): chr10:71,791,309, T>C. VCF-style: chr10-71791309-T-C. GRCh37 (hg19) VCF-style: chr10-73551066-T-C.
Other names: short protein forms V2076A.
Identifiers: ClinVar variation 946712 (VCV000946712.8), dbSNP rs773607597, ClinGen allele CA5546023.